The following is an entry in ClinVar:

ClinVar aggregate classification (germline): Likely pathogenic. Review status: criteria provided, multiple submitters, no conflicts (2 of 4 stars). 7 submissions from 7 submitters: Likely pathogenic (7). Last evaluated 2025-12-30.

Conditions:
Dubin-Johnson syndrome (DJS). Also called: HYPERBILIRUBINEMIA, DUBIN-JOHNSON TYPE; Jaundice, Chronic Idiopathic; Hyperbilirubinemia type 2. Identifiers: Orphanet 234, MedGen C0022350, MONDO:0009380, OMIM 237500.
ABCC2-related disorder. Also called: ABCC2-related condition.

Allele frequency attached by ClinVar (database versions not stated): TOPMed 0.00001; gnomAD 0.00003; ExAC 0.00012; 1000 Genomes Project 30x 0.00016; 1000 Genomes Project 0.00020.
gnomAD v4.1: 85 of 1,613,914 alleles (0.0053%); highest among the groups gnomAD compares: South Asian, 0.091%; no homozygotes.

Submissions (7):

PreventionGenetics, part of Exact Sciences
Classification: Likely pathogenic for ABCC2-related condition. Last evaluated: 2025-12-30. Review status: criteria provided, single submitter. Criteria: ACMG Guidelines, 2015. Collection method: clinical testing. Allele origin: germline.
Comment: The ABCC2 c.333+1G>A variant is predicted to disrupt the GT donor site and interfere with normal splicing. This variant was reported in the homozygous state in an individual with Dubin-Johnson syndrome (Junge et al. 2021. PubMed ID: 33534365). This variant was reported in a second study in a participant of a precision medicine study; however, the patient's phenotype was not specified, and it is not clear if another ABCC2 variant was detected (Dataset S1, Hou et al 2020. PubMed ID: 31980526). This variant is reported in 0.085% of alleles in individuals of South Asian descent in gnomAD. Variants that disrupt the consensus splice donor site in ABCC2 are expected to be pathogenic. This variant is interpreted as likely pathogenic.

Women's Health and Genetics/Laboratory Corporation of America, LabCorp
Classification: Likely pathogenic for Dubin-Johnson syndrome. Last evaluated: 2025-04-09. Review status: criteria provided, single submitter. Criteria: LabCorp Variant Classification Summary - May 2015. Collection method: clinical testing. Allele origin: germline.
Comment: Variant summary: ABCC2 c.333+1G>A is located in a canonical splice-site and is predicted to affect mRNA splicing resulting in a significantly altered protein due to either exon skipping, shortening, or inclusion of intronic material. Variants that disrupt the consensus splice site are a relatively common cause of aberrant splicing and loss of ABCC2 function. Several computational tools predict a significant impact on normal splicing: Four predict the variant abolishes a canonical 5' splicing donor site. However, these predictions have yet to be confirmed by functional studies. The variant allele was found at a frequency of 0.0001 in 251410 control chromosomes. This frequency is not significantly higher than estimated for a pathogenic variant in ABCC2 causing Dubin-Johnson Syndrome, allowing no conclusion about variant significance. c.333+1G>A has been reported in the literature in individuals affected with Dubin-Johnson Syndrome (examples: Junge_2021, Hou_2020). These data indicate that the variant may be associated with disease. To our knowledge, no experimental evidence demonstrating an impact on protein function has been reported. The following publications have been ascertained in the context of this evaluation (PMID: 31980526, 33534365). ClinVar contains an entry for this variant (Variation ID: 2982291). Based on the evidence outlined above, the variant was classified as likely pathogenic.

Blueprint Genetics
Classification: Likely pathogenic for ABCC2-related disorders. Last evaluated: 2024-09-09. Review status: criteria provided, single submitter. Criteria: ACMG Guidelines, 2015. Collection method: clinical testing. Allele origin: germline. Affected: yes. Observed: 2 variant alleles.

Revvity Omics, Revvity
Classification: Likely pathogenic for Dubin-Johnson syndrome. Last evaluated: 2024-04-10. Review status: criteria provided, single submitter. Criteria: ACMG Guidelines, 2015. Collection method: clinical testing. Allele origin: germline.

Labcorp Genetics (formerly Invitae), Labcorp
Classification: Likely pathogenic. Last evaluated: 2023-12-03. Review status: criteria provided, single submitter. Criteria: Invitae Variant Classification Sherloc (09022015). Collection method: clinical testing. Allele origin: germline.
Comment: This sequence change affects a donor splice site in intron 3 of the ABCC2 gene. It is expected to disrupt RNA splicing. Variants that disrupt the donor or acceptor splice site typically lead to a loss of protein function (PMID: 16199547), and loss-of-function variants in ABCC2 are known to be pathogenic (PMID: 9185779, 16549534, 16952291). This variant is present in population databases (rs533334893, gnomAD 0.08%). This variant has not been reported in the literature in individuals affected with ABCC2-related conditions. Algorithms developed to predict the effect of sequence changes on RNA splicing suggest that this variant may disrupt the consensus splice site. In summary, the currently available evidence indicates that the variant is pathogenic, but additional data are needed to prove that conclusively. Therefore, this variant has been classified as Likely Pathogenic.

Mayo Clinic Laboratories, Mayo Clinic
Classification: Likely pathogenic. Last evaluated: 2023-07-07. Review status: criteria provided, single submitter. Criteria: ACMG Guidelines, 2015. Collection method: clinical testing. Allele origin: germline. Observed: 2 variant alleles.
Comment: PM2_moderate, PVS1

Neuberg Centre For Genomic Medicine, NCGM
Classification: Likely pathogenic for Dubin-Johnson syndrome. Review status: criteria provided, single submitter. Criteria: ACMG Guidelines, 2015. Collection method: clinical testing. Allele origin: germline. Inheritance: Autosomal recessive inheritance. Affected: yes. Observed: 1 homozygote.
Comment: The invariant splice donor c.333+1G>A variant in ABCC2 gene has not been reported previously as a pathogenic variant nor a benign variant, to our knowledge. The c.333+1G>A variant has been reported with allele frequency of 0.01% in gnomAD Exomes and is novel (not in any individuals) in 1000 Genomes. This variant has not been reported to the ClinVar database. Loss of function variants have been previously reported to be disease causing. For these reasons, this variant has been classified as Likely Pathogenic.

Literature cited by the submitters: PubMed 31980526 (cited by Women's Health and Genetics/Laboratory Corporation of America, LabCorp); PubMed 33534365 (cited by Women's Health and Genetics/Laboratory Corporation of America, LabCorp); PubMed 16199547 (cited by Labcorp Genetics (formerly Invitae), Labcorp); PubMed 9185779 (cited by Labcorp Genetics (formerly Invitae), Labcorp); PubMed 16549534 (cited by Labcorp Genetics (formerly Invitae), Labcorp); PubMed 16952291 (cited by Labcorp Genetics (formerly Invitae), Labcorp).

NM_000392.5(ABCC2):c.333+1G>A

Gene: ABCC2 (ATP binding cassette subfamily C member 2; plus strand). Cytogenetic location: 10q24.2.
Variant type: single nucleotide variant.
Coding change: c.333+1G>A on transcript NM_000392.5 (MANE Select); the canonical splice donor site of the intron after coding-DNA position 333, G replaced by A.
Molecular consequence: splice donor variant.
Genome position (GRCh38, 1-based): chr10:99,792,360, G>A. VCF-style: chr10-99792360-G-A. GRCh37 (hg19) VCF-style: chr10-101552117-G-A.
Identifiers: ClinVar variation 2982291 (VCV002982291.10), dbSNP rs533334893, ClinGen allele CA5642843.